The following is an entry in ClinVar:

ClinVar aggregate classification (germline): Uncertain significance (1 of 4 stars; one submission).

Submission:

Labcorp Genetics (formerly Invitae), Labcorp
Classification: Uncertain significance. Last evaluated: 2024-09-21. Review status: criteria provided, single submitter. Criteria: Invitae Variant Classification Sherloc (09022015). Collection method: clinical testing. Allele origin: germline.
Comment: This sequence change replaces serine, which is neutral and polar, with arginine, which is basic and polar, at codon 426 of the BCL11B protein (p.Ser426Arg). This variant is not present in population databases (gnomAD no frequency). This variant has not been reported in the literature in individuals affected with BCL11B-related conditions. Invitae Evidence Modeling of protein sequence and biophysical properties (such as structural, functional, and spatial information, amino acid conservation, physicochemical variation, residue mobility, and thermodynamic stability) indicates that this missense variant is not expected to disrupt BCL11B protein function with a negative predictive value of 80%. In summary, the available evidence is currently insufficient to determine the role of this variant in disease. Therefore, it has been classified as a Variant of Uncertain Significance.

NM_138576.4(BCL11B):c.1278C>G (p.Ser426Arg)

Gene: BCL11B (BCL11 transcription factor B; minus strand). Cytogenetic location: 14q32.2.
Variant type: single nucleotide variant.
Coding change: c.1278C>G on transcript NM_138576.4 (MANE Select); coding-DNA position 1278, C replaced by G.
Protein change: p.Ser426Arg; replaces serine 426 with arginine.
Molecular consequence: missense variant.
Genome position (GRCh38, 1-based): chr14:99,175,558, G>C on the plus strand (C>G on the coding strand, the complement: BCL11B is on the minus strand). VCF-style: chr14-99175558-G-C. GRCh37 (hg19) VCF-style: chr14-99641895-G-C.
Other names: c.1275C>G, p.Ser425Arg (NM_001282237.2); c.1062C>G, p.Ser354Arg (NM_001282238.2); c.1065C>G, p.Ser355Arg (NM_022898.3); short protein forms S355R, S425R, S354R, S426R.
Identifiers: ClinVar variation 3706648 (VCV003706648.2).
Genomic context (GRCh38, chr14:99,175,558, plus strand): 5'-CCGGTGCACGATGAGATTGCTCTGGAACTTGAAGGTCTTGCCGCAGAACTCGCACGACTT[G>C]CTCTTGGCTGGCGGCTGCGGGGGCGGCGTGCCGCCAGGGGGCATGGGCGGCAGCGGCGGC-3'
Protein context (NP_612808.1, residues 416-436): GTPPPQPPAK[Ser426Arg]KSCEFCGKTF